The following is an entry in ClinVar:

NM_001375883.1(GPR161):c.784T>C (p.Ser262Pro)

Gene: GPR161 (G protein-coupled receptor 161; minus strand). Cytogenetic location: 1q24.2.
Variant type: single nucleotide variant.
Coding change: c.784T>C on transcript NM_001375883.1 (MANE Select); coding-DNA position 784, T replaced by C.
Protein change: p.Ser262Pro; replaces serine 262 with proline.
Molecular consequence: missense variant.
Genome position (GRCh38, 1-based): chr1:168,096,823, A>G on the plus strand (T>C on the coding strand, the complement: GPR161 is on the minus strand). VCF-style: chr1-168096823-A-G. GRCh37 (hg19) VCF-style: chr1-168066061-A-G.
Other names: c.784T>C, p.Ser262Pro (NM_001349634.1, NM_001375884.1, NM_001375885.1 and 5 more transcripts); c.388T>C, p.Ser130Pro (NM_001349635.1, NM_001267612.2); c.844T>C, p.Ser282Pro (NM_001267609.1); c.835T>C, p.Ser279Pro (NM_001267611.1); c.550T>C, p.Ser184Pro (NM_001267613.1); c.442T>C, p.Ser148Pro (NM_001267614.1); c.784T>C (NM_153832.2); short protein forms S279P, S130P, S184P, S262P, S282P, S148P.
Identifiers: ClinVar variation 3656796 (VCV003656796.3).

ClinVar aggregate classification (germline): Uncertain significance. Review status: criteria provided, multiple submitters, no conflicts (2 of 4 stars). 2 submissions from 2 submitters: Uncertain significance (2). Last evaluated 2026-10-01.

Conditions:
Medulloblastoma (MDB). Also called: Medulloblastoma, somatic; MEDULLOBLASTOMA PREDISPOSITION SYNDROME. Identifiers: Orphanet 616, MedGen C0025149, MeSH D008527, MONDO:0007959, OMIM 155255, HP:0002885.

gnomAD v4.1: 23 of 1,614,120 alleles (0.0014%); highest among the groups gnomAD compares: Admixed American, 0.012%; no homozygotes.

Submissions (2):

St. Jude Molecular Pathology, St. Jude Children's Research Hospital
Classification: Uncertain significance for Medulloblastoma. Last evaluated: 2026-10-01. Review status: criteria provided, single submitter. Criteria: St. Jude Assertion Criteria 2020. Collection method: clinical testing. Allele origin: germline.
Comment: The GPR161 c.784T>C p.(Ser262Pro) missense change has a maximum subpopulation frequency of 0.02% in gnomAD v2.1.1. The in silico tool REVEL predicts a benign effect on protein function, but to our knowl edge this prediction has not been confirmed by functional studies. To our knowledge, this variant has not been reported in the literature in individuals with medulloblastoma. In summary, the evidence currently available is insufficient to determine the c linical significance of this variant. It has therefore been classified as of uncertain significance.

Labcorp Genetics (formerly Invitae), Labcorp
Classification: Uncertain significance. Last evaluated: 2024-10-03. Review status: criteria provided, single submitter. Criteria: Invitae Variant Classification Sherloc (09022015). Collection method: clinical testing. Allele origin: germline.
Comment: This sequence change replaces serine, which is neutral and polar, with proline, which is neutral and non-polar, at codon 282 of the GPR161 protein (p.Ser282Pro). This variant is present in population databases (rs576055321, gnomAD 0.02%). This variant has not been reported in the literature in individuals affected with GPR161-related conditions. An algorithm developed to predict the effect of missense changes on protein structure and function (PolyPhen-2) suggests that this variant is likely to be disruptive. In summary, the available evidence is currently insufficient to determine the role of this variant in disease. Therefore, it has been classified as a Variant of Uncertain Significance.